The following is an entry in ClinVar:

ClinVar aggregate classification (germline): Benign/Likely benign. Review status: criteria provided, multiple submitters, no conflicts (2 of 4 stars). 3 submissions from 3 submitters: Benign (1); Likely benign (2). Last evaluated 2024-09-09.

Conditions:
Hereditary cancer-predisposing syndrome. Also called: Neoplastic Syndromes, Hereditary; Hereditary neoplastic syndrome; Tumor predisposition; Hereditary Cancer Syndrome. Identifiers: Orphanet 140162, MedGen C0027672, MeSH D009386, MONDO:0015356.
Familial cancer of breast. Also called: Hereditary breast cancer; BREAST CANCER, FAMILIAL; hereditary breast carcinoma. Identifiers: Orphanet 227535, MedGen C0346153, MONDO:0016419, OMIM 114480. Disease mechanism: loss of function.
Fanconi anemia complementation group J. Also called: BRIP1-Related Fanconi Anemia. Identifiers: Orphanet 84, MedGen C1836860, MONDO:0012187, OMIM 609054.

gnomAD v4.1: 1 of 1,613,562 alleles (0.000062%); highest among the groups gnomAD compares: Non-Finnish European, 0.000085%; no homozygotes.

Submissions (3):

Myriad Genetics, Inc.
Classification: Benign for Familial cancer of breast. Last evaluated: 2024-09-09. Review status: criteria provided, single submitter. Criteria: Myriad Autosomal Dominant, Autosomal Recessive and X-Linked Classification Criteria (2023). Collection method: clinical testing. Allele origin: unknown.
Comment: This variant is considered benign. This variant is a silent/synonymous amino acid change and it is not expected to impact splicing.

Labcorp Genetics (formerly Invitae), Labcorp
Classification: Likely benign for Familial cancer of breast; Fanconi anemia complementation group J. Last evaluated: 2023-03-21. Review status: criteria provided, single submitter. Criteria: Invitae Variant Classification Sherloc (09022015). Collection method: clinical testing. Allele origin: germline.

Ambry Genetics
Classification: Likely benign for Hereditary cancer-predisposing syndrome. Last evaluated: 2017-10-06. Review status: criteria provided, single submitter. Criteria: Ambry Variant Classification Scheme 2023. Collection method: clinical testing. Allele origin: germline.

NM_032043.3(BRIP1):c.2991A>C (p.Thr997=)

Gene: BRIP1 (BRCA1 interacting DNA helicase 1; minus strand). Cytogenetic location: 17q23.2.
Variant type: single nucleotide variant.
Coding change: c.2991A>C on transcript NM_032043.3 (MANE Select); coding-DNA position 2991, A replaced by C.
Protein change: p.Thr997=; no amino-acid change (threonine 997 retained).
Molecular consequence: synonymous variant.
Genome position (GRCh38, 1-based): chr17:61,684,055, T>G on the plus strand (A>C on the coding strand, the complement: BRIP1 is on the minus strand). VCF-style: chr17-61684055-T-G. GRCh37 (hg19) VCF-style: chr17-59761416-T-G.
Identifiers: ClinVar variation 1134356 (VCV001134356.13), dbSNP rs45466996, ClinGen allele CA501335606.